The following is an entry in ClinVar:

ClinVar aggregate classification (germline): Pathogenic (1 of 4 stars; one submission).

Conditions:
Charcot-Marie-Tooth disease type 2R. Also called: CHARCOT-MARIE-TOOTH DISEASE, AXONAL, AUTOSOMAL RECESSIVE, TYPE 2R; CHARCOT-MARIE-TOOTH NEUROPATHY, TYPE 2R; Charcot-Marie-Tooth disease, axonal, type 2R. Identifiers: Orphanet 397968, MedGen C3809655, MONDO:0014208, OMIM 615490.

Submission:

Labcorp Genetics (formerly Invitae), Labcorp
Classification: Pathogenic for Charcot-Marie-Tooth disease type 2R. Last evaluated: 2026-01-01. Review status: criteria provided, single submitter. Criteria: Invitae Variant Classification Sherloc (09022015). Collection method: clinical testing. Allele origin: germline.
Comment: This sequence change creates a premature translational stop signal (p.Pro52Phefs*6) in the TRIM2 gene. It is expected to result in an absent or disrupted protein product. Loss-of-function variants in TRIM2 are known to be pathogenic (PMID: 23562820). This variant is not present in population databases (gnomAD no frequency). This variant has not been reported in the literature in individuals affected with TRIM2-related conditions. For these reasons, this variant has been classified as Pathogenic.

Literature cited by the submitters: PubMed 23562820.

NM_015271.5(TRIM2):c.232_233dup (p.Pro79fs)

Gene: TRIM2 (tripartite motif containing 2; plus strand). Cytogenetic location: 4q31.3.
Variant type: Duplication.
Coding change: c.232_233dup on transcript NM_015271.5 (MANE Select); coding-DNA positions 232 to 233, 2 bases duplicated (AT; older notation c.232_233dupAT).
Protein change: p.Pro79fs; shifts the reading frame from proline 79.
Molecular consequence: frameshift variant. On other transcripts: 5 prime UTR variant (2), intron variant (2).
Genome position (GRCh38, 1-based): chr4:153,275,909-153,275,910, AT duplicated. VCF-style (leftmost placement, unchanged base first): chr4-153275908-C-CAT. GRCh37 (hg19) VCF-style: chr4-154197060-C-CAT.
Other names: c.151_152dup, p.Pro52fs (NM_001130067.2, NM_001351056.2, NM_001375512.1 and 10 more transcripts); c.232_233dup, p.Pro79fs (NM_001302692.2, NM_001375488.1, NM_001375490.1 and 2 more transcripts); c.229_230dup, p.Pro78fs (NM_001302693.2, NM_001375489.1, NM_001375491.1 and 3 more transcripts); c.205_206dup, p.Pro70fs (NM_001302694.2, NM_001351054.2); c.202_203dup, p.Pro69fs (NM_001351055.2); c.-326_-325dup (NM_001351057.2); c.-108_-107dup (NM_001375525.1); c.-74-34_-74-33dup (NM_001375523.1, NM_001375522.1); short protein forms P52fs, P78fs, P69fs, P70fs, P79fs.
Identifiers: ClinVar variation 4734104 (VCV004734104.1).
Genomic context (GRCh38, chr4:153,275,908, plus strand): 5'-AGGTTCTGCACTGTGCTAAGCTCTCCACCTCTGCTTCTGCAACAGGTGCCTGCAGAACTA[C>CAT]ATTCCTGCCCACAGTTTAACCCTCTCCTGCCCAGTGTGCCGCCAGACCTCCATCCTGCCC-3'